The following is an entry in ClinVar:

NM_002485.5(NBN):c.792G>T (p.Leu264Phe)

Gene: NBN (nibrin; minus strand). Cytogenetic location: 8q21.3.
Variant type: single nucleotide variant.
Coding change: c.792G>T on transcript NM_002485.5 (MANE Select); coding-DNA position 792, G replaced by T.
Protein change: p.Leu264Phe; replaces leucine 264 with phenylalanine.
Molecular consequence: missense variant.
Genome position (GRCh38, 1-based): chr8:89,970,468, C>A on the plus strand (G>T on the coding strand, the complement: NBN is on the minus strand). VCF-style: chr8-89970468-C-A. GRCh37 (hg19) VCF-style: chr8-90982696-C-A.
Other names: c.546G>T, p.Leu182Phe (NM_001024688.3, NM_001440379.1, NM_001440380.1); short protein forms L182F, L264F.
Identifiers: ClinVar variation 4860757 (VCV004860757.1).

ClinVar aggregate classification (germline): Uncertain significance (1 of 4 stars; one submission).

Conditions:
Hereditary cancer-predisposing syndrome. Also called: Neoplastic Syndromes, Hereditary; Tumor predisposition; Hereditary Cancer Syndrome; Hereditary neoplastic syndrome. Identifiers: Orphanet 140162, MedGen C0027672, MeSH D009386, MONDO:0015356.

Submission:

Ambry Genetics
Classification: Uncertain significance for Hereditary cancer-predisposing syndrome. Last evaluated: 2026-04-19. Review status: criteria provided, single submitter. Criteria: Ambry Variant Classification Scheme 2023. Collection method: clinical testing. Allele origin: germline.
Comment: The p.L264F variant (also known as c.792G>T), located in coding exon 7 of the NBN gene, results from a G to T substitution at nucleotide position 792. The leucine at codon 264 is replaced by phenylalanine, an amino acid with highly similar properties. This amino acid position is conserved. In addition, this alteration is predicted to be tolerated by in silico analysis. Based on the available evidence, the clinical significance of this variant remains unclear.